The following is an entry in ClinVar:

ClinVar aggregate classification (germline): Conflicting classifications of pathogenicity. Review status: criteria provided, conflicting classifications (1 of 4 stars). 6 submissions from 6 submitters: Uncertain significance (4); Likely benign (2). Last evaluated 2025-12-23.

Conditions:
Arrhythmogenic cardiomyopathy with wooly hair and keratoderma. Also called: Dilated cardiomyopathy with woolly hair and keratoderma; Arrhythmogenic cardiomyopathy with woolly hair and keratoderma; PALMOPLANTAR KERATODERMA WITH LEFT VENTRICULAR CARDIOMYOPATHY AND WOOLLY HAIR; Carvajal syndrome. Identifiers: Orphanet 65282, MedGen C1854063, MONDO:0011581, OMIM 605676.
Keratosis palmoplantaris striata 2. Also called: Keratosis palmoplantaris striata II; KERATODERMA, PALMOPLANTAR, STRIATE FORM II; STRIATE PALMOPLANTAR KERATODERMA II. Identifiers: MedGen C1852127, MONDO:0013034, OMIM 612908.
Lethal acantholytic epidermolysis bullosa (EBLA). Identifiers: Orphanet 158687, MedGen C1864826, MONDO:0012323, OMIM 609638.
Arrhythmogenic right ventricular dysplasia 8 (ARVD8). Also called: Arrhythmogenic Right Ventricular Dysplasia/Cardiomyopathy 8; ARRHYTHMOGENIC RIGHT VENTRICULAR DYSPLASIA, FAMILIAL, 8; ARRHYTHMOGENIC RIGHT VENTRICULAR CARDIOMYOPATHY 8. Identifiers: MedGen C1843896, MONDO:0011831, OMIM 607450.
Cardiomyopathy, dilated, with wooly hair, keratoderma, and tooth agenesis. Also called: Cardiomyopathy, dilated, with woolly hair, keratoderma, and tooth agenesis; Erythrokeratodermia-cardiomyopathy syndrome. Identifiers: Orphanet 476096, Orphanet 65282, MedGen C4014393, MONDO:0014355, OMIM 615821.
Woolly hair-skin fragility syndrome (WHSF). Identifiers: Orphanet 293165, MedGen C1843292, MONDO:0957307, OMIM 620415.
DSP-related disorder. Also called: DSP-related condition; DSP-related disorders.
Cardiovascular phenotype. Identifiers: MedGen CN230736.

Allele frequency attached by ClinVar (database versions not stated): gnomAD 0.00001; gnomAD exomes 0.00001; TOPMed 0.00001.
gnomAD v4.1: 15 of 1,613,980 alleles (0.00093%); highest among the groups gnomAD compares: African/African-American, 0.0053%; no homozygotes.

Submissions (6):

Labcorp Genetics (formerly Invitae), Labcorp
Classification: Likely benign for Arrhythmogenic cardiomyopathy with wooly hair and keratoderma; Arrhythmogenic right ventricular dysplasia 8. Last evaluated: 2025-12-23. Review status: criteria provided, single submitter. Criteria: Invitae Variant Classification Sherloc (09022015). Collection method: clinical testing. Allele origin: germline.

Ambry Genetics
Classification: Likely benign for Cardiovascular phenotype. Last evaluated: 2025-04-04. Review status: criteria provided, single submitter. Criteria: Ambry Variant Classification Scheme 2023. Collection method: clinical testing. Allele origin: germline.

PreventionGenetics, part of Exact Sciences
Classification: Uncertain significance for DSP-related condition. Last evaluated: 2025-01-15. Review status: criteria provided, single submitter. Criteria: ACMG Guidelines, 2015. Collection method: clinical testing. Allele origin: germline.
Comment: The DSP c.2689G>C variant is predicted to result in the amino acid substitution p.Ala897Pro. To our knowledge, this variant has not been reported in the literature. This variant is reported in 0.0062% of alleles in individuals of African descent in gnomAD. At this time, the clinical significance of this variant is uncertain due to the absence of conclusive functional and genetic evidence.

All of Us Research Program, National Institutes of Health
Classification: Uncertain significance for Arrhythmogenic cardiomyopathy with wooly hair and keratoderma. Last evaluated: 2023-08-28. Review status: criteria provided, single submitter. Criteria: ACMG Guidelines, 2015. Collection method: clinical testing. Allele origin: germline. Inheritance: Autosomal dominant inheritance. Observed: 1 variant allele, 1 heterozygote.
Comment: This missense variant replaces alanine with proline at codon 897 of the DSP protein. Computational prediction suggests that this variant may not impact protein structure and function (internally defined REVEL score threshold <= 0.5, PMID: 27666373). To our knowledge, functional studies have not been reported for this variant. This variant has not been reported in individuals affected with DSP-related disorders in the literature. This variant has been identified in 3/251308 chromosomes in the general population by the Genome Aggregation Database (gnomAD). The available evidence is insufficient to determine the role of this variant in disease conclusively. Therefore, this variant is classified as a Variant of Uncertain Significance.

This study involves interpretation of variants in research participants for the purpose of population health screening. Participant phenotype was not available at the time of variant classification. Additional details can be found in publication PMID: 35346344, PMCID: PMC8962531

Fulgent Genetics
Classification: Uncertain significance for Arrhythmogenic cardiomyopathy with wooly hair and keratoderma; Arrhythmogenic right ventricular dysplasia 8; Lethal acantholytic epidermolysis bullosa; Keratosis palmoplantaris striata 2; Cardiomyopathy, dilated, with wooly hair, keratoderma, and tooth agenesis. Last evaluated: 2021-08-17. Review status: criteria provided, single submitter. Criteria: ACMG Guidelines, 2015. Collection method: clinical testing. Allele origin: unknown.

Center for Genomics, Ann and Robert H. Lurie Children's Hospital of Chicago
Classification: Uncertain significance for Arrhythmogenic right ventricular dysplasia 8; Lethal acantholytic epidermolysis bullosa; Keratosis palmoplantaris striata 2; Cardiomyopathy, dilated, with wooly hair, keratoderma, and tooth agenesis; Arrhythmogenic cardiomyopathy with wooly hair and keratoderma. Review status: criteria provided, single submitter. Criteria: ACMG Guidelines, 2015. Collection method: clinical testing. Allele origin: germline.
Comment: DSP NM_004415.3 exon 19 p.Ala897Pro (c.2689G>C): This variant has not been reported in the literature but is present in 1/15302 African alleles in the Genome Aggregation Database. Evolutionary conservation and computational predictive tools suggest that this variant may not impact the protein. In summary, data on this variant is insufficient for disease classification. Therefore, the clinical significance of this variant is uncertain.

NM_004415.4(DSP):c.2689G>C (p.Ala897Pro)

Gene: DSP (desmoplakin; plus strand). Cytogenetic location: 6p24.3.
Variant type: single nucleotide variant.
Coding change: c.2689G>C on transcript NM_004415.4 (MANE Select); coding-DNA position 2689, G replaced by C.
Protein change: p.Ala897Pro; replaces alanine 897 with proline.
Molecular consequence: missense variant.
Genome position (GRCh38, 1-based): chr6:7,576,352, G>C. VCF-style: chr6-7576352-G-C. GRCh37 (hg19) VCF-style: chr6-7576585-G-C.
Other names: c.2689G>C (NM_004415.3, LRG_423t1); c.2689G>C, p.Ala897Pro (NM_001008844.3, NM_001319034.2); short protein forms A897P.
Identifiers: ClinVar variation 574582 (VCV000574582.18), dbSNP rs1008407158, ClinGen allele CA133964080.